The following is an entry in ClinVar:

NM_022124.6(CDH23):c.8979+1G>A

Gene: CDH23 (cadherin related 23; plus strand). Cytogenetic location: 10q22.1.
Variant type: single nucleotide variant.
Coding change: c.8979+1G>A on transcript NM_022124.6 (MANE Select); the canonical splice donor site of the intron after coding-DNA position 8979, G replaced by A.
Molecular consequence: splice donor variant.
Genome position (GRCh38, 1-based): chr10:71,810,077, G>A. VCF-style: chr10-71810077-G-A. GRCh37 (hg19) VCF-style: chr10-73569834-G-A.
Other names: c.2259+1G>A (NM_001171933.1, NM_001171934.1).
Identifiers: ClinVar variation 1479207 (VCV001479207.6), dbSNP rs2132996862, ClinGen allele CA377133937.

ClinVar aggregate classification (germline): Likely pathogenic (1 of 4 stars; one submission).

Submission:

Labcorp Genetics (formerly Invitae), Labcorp
Classification: Likely pathogenic. Last evaluated: 2021-12-03. Review status: criteria provided, single submitter. Criteria: Invitae Variant Classification Sherloc (09022015). Collection method: clinical testing. Allele origin: germline.
Comment: This variant has not been reported in the literature in individuals affected with CDH23-related conditions. In summary, the currently available evidence indicates that the variant is pathogenic, but additional data are needed to prove that conclusively. Therefore, this variant has been classified as Likely Pathogenic. Algorithms developed to predict the effect of sequence changes on RNA splicing suggest that this variant may disrupt the consensus splice site. This variant is not present in population databases (gnomAD no frequency). This sequence change affects a donor splice site in intron 61 of the CDH23 gene. It is expected to disrupt RNA splicing. Variants that disrupt the donor or acceptor splice site typically lead to a loss of protein function (PMID: 16199547), and loss-of-function variants in CDH23 are known to be pathogenic (PMID: 11138009, 21940737).

Literature cited by the submitters: PubMed 16199547; PubMed 11138009; PubMed 21940737.